The following is an entry in ClinVar:

NM_001458.5(FLNC):c.4310T>C (p.Val1437Ala)

Gene: FLNC (filamin C; plus strand). Cytogenetic location: 7q32.1.
Variant type: single nucleotide variant.
Coding change: c.4310T>C on transcript NM_001458.5 (MANE Select); coding-DNA position 4310, T replaced by C.
Protein change: p.Val1437Ala; replaces valine 1437 with alanine.
Molecular consequence: missense variant.
Genome position (GRCh38, 1-based): chr7:128,847,718, T>C. VCF-style: chr7-128847718-T-C. GRCh37 (hg19) VCF-style: chr7-128487772-T-C.
Other names: c.4310T>C, p.Val1437Ala (NM_001127487.2); short protein forms V1437A.
Identifiers: ClinVar variation 539423 (VCV000539423.10), dbSNP rs754170282, ClinGen allele CA166182932.

ClinVar aggregate classification (germline): Uncertain significance. Review status: criteria provided, multiple submitters, no conflicts (2 of 4 stars). 5 submissions from 5 submitters: Uncertain significance (5). Last evaluated 2025-12-01.

Conditions:
Cardiovascular phenotype. Identifiers: MedGen CN230736.
Dilated Cardiomyopathy, Dominant.
Hypertrophic cardiomyopathy 26. Also called: Cardiomyopathy, familial hypertrophic, 26. Identifiers: Orphanet 75249, MedGen C4310749, MONDO:0014883, OMIM 617047.
Distal myopathy with posterior leg and anterior hand involvement. Also called: WILLIAMS DISTAL MYOPATHY. Identifiers: Orphanet 63273, MedGen C3279722, MONDO:0013550, OMIM 614065.
Myofibrillar myopathy 5. Also called: Filaminopathy (type); FILAMINOPATHY, AUTOSOMAL DOMINANT. Identifiers: Orphanet 171445, MedGen C1836050, MONDO:0012289, OMIM 609524.
FLNC-related disorder. Also called: FLNC-related disorders; FLNC-related condition.

Allele frequency attached by ClinVar (database versions not stated): gnomAD exomes below 0.00001 and 0.00001; gnomAD 0.00001; TOPMed 0.00001.
gnomAD v4.1: 13 of 1,613,938 alleles (0.00081%); highest among the groups gnomAD compares: African/African-American, 0.0013%; no homozygotes.

Submissions (5):

Ambry Genetics
Classification: Uncertain significance for Cardiovascular phenotype. Last evaluated: 2025-12-01. Review status: criteria provided, single submitter. Criteria: Ambry Variant Classification Scheme 2023. Collection method: clinical testing. Allele origin: germline.
Comment: The p.V1437A variant (also known as c.4310T>C), located in coding exon 25 of the FLNC gene, results from a T to C substitution at nucleotide position 4310. The valine at codon 1437 is replaced by alanine, an amino acid with similar properties. This amino acid position is conserved. In addition, this alteration is predicted to be deleterious by in silico analysis. Since supporting evidence is limited at this time, the clinical significance of this alteration remains unclear.

PreventionGenetics, part of Exact Sciences
Classification: Uncertain significance for FLNC-related condition. Last evaluated: 2025-10-01. Review status: criteria provided, single submitter. Criteria: ACMG Guidelines, 2015. Collection method: clinical testing. Allele origin: germline.
Comment: The FLNC c.4310T>C variant is predicted to result in the amino acid substitution p.Val1437Ala. To our knowledge, this variant has not been reported in the literature. This variant is reported in 0.0016% of alleles in individuals of European (Non-Finnish) descent in gnomAD. At this time, the clinical significance of this variant is uncertain due to the absence of conclusive functional and genetic evidence.

Labcorp Genetics (formerly Invitae), Labcorp
Classification: Uncertain significance for Distal myopathy with posterior leg and anterior hand involvement; Myofibrillar myopathy 5; Hypertrophic cardiomyopathy 26. Last evaluated: 2024-01-20. Review status: criteria provided, single submitter. Criteria: Invitae Variant Classification Sherloc (09022015). Collection method: clinical testing. Allele origin: germline.
Comment: This sequence change replaces valine, which is neutral and non-polar, with alanine, which is neutral and non-polar, at codon 1437 of the FLNC protein (p.Val1437Ala). This variant is present in population databases (rs754170282, gnomAD 0.007%). This variant has not been reported in the literature in individuals affected with FLNC-related conditions. ClinVar contains an entry for this variant (Variation ID: 539423). Advanced modeling of protein sequence and biophysical properties (such as structural, functional, and spatial information, amino acid conservation, physicochemical variation, residue mobility, and thermodynamic stability) has been performed at Invitae for this missense variant, however the output from this modeling did not meet the statistical confidence thresholds required to predict the impact of this variant on FLNC protein function. In summary, the available evidence is currently insufficient to determine the role of this variant in disease. Therefore, it has been classified as a Variant of Uncertain Significance.

AiLife Diagnostics
Classification: Uncertain significance. Last evaluated: 2021-08-27. Review status: criteria provided, single submitter. Criteria: ACMG Guidelines, 2015. Collection method: clinical testing. Allele origin: germline. Affected: yes. Observed: 1 variant allele.

GeneDx
Classification: Uncertain significance. Last evaluated: 2021-01-17. Review status: criteria provided, single submitter. Criteria: GeneDx Variant Classification Process June 2021. Collection method: clinical testing. Allele origin: germline. Affected: yes.
Comment: Has not been previously published as pathogenic or benign to our knowledge; Not observed at a significant frequency in large population cohorts (Lek et al., 2016); In silico analysis supports that this missense variant has a deleterious effect on protein structure/function; Reported in ClinVar but additional evidence is not available (ClinVar Variant ID#539423; Landrum et al., 2016)